The following is an entry in ClinVar:

NM_005751.5(AKAP9):c.10608-38G>A

Gene: AKAP9 (A-kinase anchoring protein 9; plus strand). Cytogenetic location: 7q21.2.
Variant type: single nucleotide variant.
Coding change: c.10608-38G>A on transcript NM_005751.5 (MANE Select); 38 bases into the intron before coding-DNA position 10608, G replaced by A.
Molecular consequence: intron variant.
Genome position (GRCh38, 1-based): chr7:92,098,071, G>A. VCF-style: chr7-92098071-G-A. GRCh37 (hg19) VCF-style: chr7-91727385-G-A.
Other names: c.10584-38G>A (NM_147185.3); c.5253-38G>A (NM_001379277.1).
Identifiers: ClinVar variation 671886 (VCV000671886.3), dbSNP rs6946356, ClinGen allele CA4337984.
Genomic context (GRCh38, chr7:92,098,071, plus strand): 5'-GATAGGTGAAGTAGAACGTCGCCTGCTCTGTAATGTTTGTGGTAGTAAACACCCCCAATT[G>A]AGAAGGTATGTTTTGACTTTTTGTCTTTTTCTTGAAGACTACAGTTTGAAACAGCAGATG-3'

ClinVar aggregate classification (germline): Benign. Review status: criteria provided, multiple submitters, no conflicts (2 of 4 stars). 3 submissions from 3 submitters: Benign (3). Last evaluated 2021-12-05.

Conditions:
Long QT syndrome 11 (LQT11). Identifiers: Orphanet 101016, Orphanet 768, MedGen C2678483, MONDO:0012738, OMIM 611820.

Allele frequency attached by ClinVar (database versions not stated): 1000 Genomes Project 0.36202; 1000 Genomes Project 30x 0.36477; gnomAD exomes 0.37519 and 0.38574; ExAC 0.39474; gnomAD 0.40384 and 0.40717; TOPMed 0.40465; ESP Exome Variant Server 0.42947.
gnomAD v4.1: 528,967 of 1,363,662 alleles (39%); highest among the groups gnomAD compares: African/African-American, 47%; 104,616 homozygotes.

Submissions (3):

Genome-Nilou Lab
Classification: Benign for Long QT syndrome 11. Last evaluated: 2021-12-05. Review status: criteria provided, single submitter. Criteria: ACMG Guidelines, 2015. Collection method: clinical testing. Allele origin: germline. Affected: no.

GeneDx
Classification: Benign. Last evaluated: 2018-06-14. Review status: criteria provided, single submitter. Criteria: GeneDx Variant Classification (06012015). Collection method: clinical testing. Allele origin: germline. Affected: yes.
Comment: This variant is considered likely benign or benign based on one or more of the following criteria: it is a conservative change, it occurs at a poorly conserved position in the protein, it is predicted to be benign by multiple in silico algorithms, and/or has population frequency not consistent with disease.

Breakthrough Genomics
Classification: Benign. Review status: criteria provided, single submitter. Criteria: ACMG Guidelines, 2015. Collection method: not provided. Allele origin: germline. Inheritance: Autosomal dominant inheritance. Affected: yes.